The following is an entry in ClinVar:

ClinVar aggregate classification (germline): Pathogenic (1 of 4 stars; one submission).

Conditions:
Muscular dystrophy-dystroglycanopathy type B6 (MDDGB6). Also called: MUSCULAR DYSTROPHY, CONGENITAL, LARGE-RELATED; MUSCULAR DYSTROPHY, CONGENITAL, TYPE 1D; MUSCULAR DYSTROPHY-DYSTROGLYCANOPATHY (CONGENITAL WITH IMPAIRED INTELLECTUAL DEVELOPMENT), TYPE B, 6. Identifiers: MedGen C1837229, MONDO:0012138, OMIM 608840.

Submission:

Labcorp Genetics (formerly Invitae), Labcorp
Classification: Pathogenic for Congenital muscular dystrophy-dystroglycanopathy with mental retardation, type B6. Last evaluated: 2019-10-29. Review status: criteria provided, single submitter. Criteria: Invitae Variant Classification Sherloc (09022015). Collection method: clinical testing. Allele origin: germline.
Comment: This variant is a gross deletion of the genomic region encompassing exon 3 of the LARGE11 gene, which includes the initiator codon. The 5' end of this event is unknown as it extends beyond the assayed region for this gene and therefore may encompass additional genes. The 3' boundary is likely confined to intron 3 of the LARGE11 gene. This is expected to result in an absent or disrupted protein product. This variant has not been reported in the literature in individuals with LARGE11-related disease. Loss-of-function variants in LARGE11 are known to be pathogenic (PMID: 12966029, 17878207). For these reasons, this variant has been classified as Pathogenic.

NC_000022.11:g.(?_33761361)_(33761486_?)del

Gene: LARGE1 (LARGE xylosyl- and glucuronyltransferase 1; minus strand). Cytogenetic location: 22q12.3.
Variant type: Deletion.
Identifiers: ClinVar variation 657377 (VCV000657377.2).